The following is an entry in ClinVar:

NM_080605.4(B3GALT6):c.340G>A (p.Ala114Thr)

Gene: B3GALT6 (beta-1,3-galactosyltransferase 6; plus strand). Cytogenetic location: 1p36.33.
Variant type: single nucleotide variant.
Coding change: c.340G>A on transcript NM_080605.4 (MANE Select); coding-DNA position 340, G replaced by A.
Protein change: p.Ala114Thr; replaces alanine 114 with threonine.
Molecular consequence: missense variant.
Genome position (GRCh38, 1-based): chr1:1,232,618, G>A. VCF-style: chr1-1232618-G-A. GRCh37 (hg19) VCF-style: chr1-1167998-G-A.
Other names: short protein forms A114T.
Identifiers: ClinVar variation 1711200 (VCV001711200.33), dbSNP rs1345844830, ClinGen allele CA337824629.
Genomic context (GRCh38, chr1:1,232,618, plus strand): 5'-TTTGCCGTGGGCACGGCCGGCCTGGGCGCCGAGGAGCGGCGCGCCCTGGAGCGGGAGCAG[G>A]CGCGGCACGGGGACCTGCTGCTGCTGCCCGCGCTGCGCGACGCCTACGAAAACCTCACGG-3'
Protein context (NP_542172.2, residues 104-124): EERRALEREQ[Ala114Thr]RHGDLLLLPA

ClinVar aggregate classification (germline): Uncertain significance. Review status: criteria provided, multiple submitters, no conflicts (2 of 4 stars). 2 submissions from 2 submitters: Uncertain significance (2). Last evaluated 2022-08-01.

Conditions:
Ehlers-Danlos syndrome, spondylodysplastic type, 2 (EDSSPD2). Also called: Ehlers-Danlos syndrome, progeroid type, 2. Identifiers: Orphanet 536467, Orphanet 75496, MedGen C3809210, MONDO:0014139, OMIM 615349.
Spondyloepimetaphyseal dysplasia with joint laxity (SEMDJL). Identifiers: MedGen C0432243, MONDO:0019675.

Allele frequency attached by ClinVar (database versions not stated): gnomAD exomes 0.00001; TOPMed 0.00001; gnomAD 0.00002.

Submissions (2):

CeGaT Center for Human Genetics Tuebingen
Classification: Uncertain significance. Last evaluated: 2022-08-01. Review status: criteria provided, single submitter. Criteria: CeGaT Center For Human Genetics Tuebingen Variant Classification Criteria Version 2. Collection method: clinical testing. Allele origin: germline. Affected: yes. Observed: 1 variant allele.
Comment: B3GALT6: PM2:Supporting

Labcorp Genetics (formerly Invitae), Labcorp
Classification: Uncertain significance for Ehlers-Danlos syndrome, spondylodysplastic type, 2; Spondyloepimetaphyseal dysplasia with joint laxity. Last evaluated: 2022-06-08. Review status: criteria provided, single submitter. Criteria: Invitae Variant Classification Sherloc (09022015). Collection method: clinical testing. Allele origin: germline.
Comment: In summary, the available evidence is currently insufficient to determine the role of this variant in disease. Therefore, it has been classified as a Variant of Uncertain Significance. Algorithms developed to predict the effect of missense changes on protein structure and function (SIFT, PolyPhen-2, Align-GVGD) all suggest that this variant is likely to be tolerated. This variant has not been reported in the literature in individuals affected with B3GALT6-related conditions. This variant is present in population databases (no rsID available, gnomAD 0.01%). This sequence change replaces alanine, which is neutral and non-polar, with threonine, which is neutral and polar, at codon 114 of the B3GALT6 protein (p.Ala114Thr).